The following is an entry in ClinVar:

NM_006767.4(LZTR1):c.1412G>T (p.Arg471Leu)

Gene: LZTR1 (leucine zipper like post translational regulator 1; plus strand). Cytogenetic location: 22q11.21.
Variant type: single nucleotide variant.
Coding change: c.1412G>T on transcript NM_006767.4 (MANE Select); coding-DNA position 1412, G replaced by T.
Protein change: p.Arg471Leu; replaces arginine 471 with leucine.
Molecular consequence: missense variant.
Genome position (GRCh38, 1-based): chr22:20,993,982, G>T. VCF-style: chr22-20993982-G-T. GRCh37 (hg19) VCF-style: chr22-21348271-G-T.
Other names: short protein forms R471L.
Identifiers: ClinVar variation 3238077 (VCV003238077.3), dbSNP rs139031749.

ClinVar aggregate classification (germline): Uncertain significance. Review status: criteria provided, multiple submitters, no conflicts (2 of 4 stars). 2 submissions from 2 submitters: Uncertain significance (2). Last evaluated 2025-05-07.

Conditions:
Hereditary cancer-predisposing syndrome. Also called: Neoplastic Syndromes, Hereditary; Tumor predisposition; Hereditary neoplastic syndrome; Hereditary Cancer Syndrome. Identifiers: Orphanet 140162, MedGen C0027672, MeSH D009386, MONDO:0015356.
Cardiovascular phenotype. Identifiers: MedGen CN230736.

gnomAD v4.1: 1 of 1,612,196 alleles (0.000062%); highest among the groups gnomAD compares: Non-Finnish European, 0.000085%; no homozygotes.

Submissions (2):

Labcorp Genetics (formerly Invitae), Labcorp
Classification: Uncertain significance. Last evaluated: 2025-05-07. Review status: criteria provided, single submitter. Criteria: Invitae Variant Classification Sherloc (09022015). Collection method: clinical testing. Allele origin: germline.
Comment: This sequence change replaces arginine, which is basic and polar, with leucine, which is neutral and non-polar, at codon 471 of the LZTR1 protein (p.Arg471Leu). This variant is not present in population databases (gnomAD no frequency). This variant has not been reported in the literature in individuals affected with LZTR1-related conditions. ClinVar contains an entry for this variant (Variation ID: 3238077). Invitae Evidence Modeling of protein sequence and biophysical properties (such as structural, functional, and spatial information, amino acid conservation, physicochemical variation, residue mobility, and thermodynamic stability) indicates that this missense variant is not expected to disrupt LZTR1 protein function with a negative predictive value of 80%. In summary, the available evidence is currently insufficient to determine the role of this variant in disease. Therefore, it has been classified as a Variant of Uncertain Significance.

Ambry Genetics
Classification: Uncertain significance for Cardiovascular phenotype; Hereditary cancer-predisposing syndrome. Last evaluated: 2023-10-08. Review status: criteria provided, single submitter. Criteria: Ambry Variant Classification Scheme 2023. Collection method: clinical testing. Allele origin: germline.
Comment: The p.R471L variant (also known as c.1412G>T), located in coding exon 13 of the LZTR1 gene, results from a G to T substitution at nucleotide position 1412. The arginine at codon 471 is replaced by leucine, an amino acid with dissimilar properties. This amino acid position is conserved. In addition, this alteration is predicted to be deleterious by in silico analysis. Since supporting evidence is limited at this time, the clinical significance of this alteration remains unclear.